The following is an entry in ClinVar:

ClinVar aggregate classification (germline): Pathogenic (1 of 4 stars; one submission).

Conditions:
Hereditary cancer-predisposing syndrome. Also called: Neoplastic Syndromes, Hereditary; Tumor predisposition; Hereditary neoplastic syndrome; Hereditary Cancer Syndrome. Identifiers: Orphanet 140162, MedGen C0027672, MeSH D009386, MONDO:0015356.

Submission:

Ambry Genetics
Classification: Pathogenic for Hereditary cancer-predisposing syndrome. Last evaluated: 2023-11-27. Review status: criteria provided, single submitter. Criteria: Ambry Variant Classification Scheme 2023. Collection method: clinical testing. Allele origin: germline.
Comment: The c.1532dupG pathogenic mutation, located in coding exon 9 of the BRCA1 gene, results from a duplication of G at nucleotide position 1532, causing a translational frameshift with a predicted alternate stop codon (p.L512Pfs*4). This alteration is expected to result in loss of function by premature protein truncation or nonsense-mediated mRNA decay. As such, this alteration is interpreted as a disease-causing mutation.

NM_007294.4(BRCA1):c.1532dup (p.Leu512fs)

Gene: BRCA1 (BRCA1 DNA repair associated; minus strand). Cytogenetic location: 17q21.31.
Variant type: Duplication.
Coding change: c.1532dup on transcript NM_007294.4 (MANE Select); coding-DNA position 1532, one base duplicated (G; older notation c.1532dupG).
Protein change: p.Leu512fs; shifts the reading frame from leucine 512.
Molecular consequence: frameshift variant. On other transcripts: intron variant (137).
Genome position (GRCh38, 1-based): chr17:43,093,999, C duplicated on the plus strand (G on the coding strand, the reverse complement: BRCA1 is on the minus strand); the first of 2 consecutive C bases (chr17:43,093,999-43,094,000); duplicating either gives the same sequence. VCF-style (leftmost placement, unchanged base first): chr17-43093998-G-GC. GRCh37 (hg19) VCF-style: chr17-41246015-G-GC.
Other names: c.1529dup, p.Leu511fs (NM_001407627.1, NM_001407628.1, NM_001407630.1 and 22 more transcripts); c.787+745dup (NM_001407976.1, NM_001407980.1, NM_001407993.1 and 19 more transcripts); c.652+745dup (NM_001408451.1); c.643+745dup (NM_001408464.1, NM_001408470.1, NM_001408468.1 and 3 more transcripts); c.1391dup, p.Leu465fs (NM_001407737.1, NM_001407738.1, NM_001407739.1 and 29 more transcripts); c.1388dup, p.Leu464fs (NM_001407740.1, NM_001407741.1, NM_001407742.1 and 20 more transcripts); c.1319dup, p.Leu441fs (NM_001407853.1, NM_001407894.1, NM_001407895.1 and 9 more transcripts); c.1532dup, p.Leu512fs (NM_001407854.1, NM_001407858.1, NM_001407859.1 and 30 more transcripts); and 41 more; short protein forms L216fs, L344fs, L384fs, L385fs, L400fs, L401fs, L423fs, L424fs.
Identifiers: ClinVar variation 3226104 (VCV003226104.1), dbSNP rs2552203316, ClinGen allele CA2638036788.